The following is an entry in ClinVar:

NM_000287.4(PEX6):c.1290G>T (p.Trp430Cys)

Gene: PEX6 (peroxisomal biogenesis factor 6; minus strand). Cytogenetic location: 6p21.1.
Variant type: single nucleotide variant.
Coding change: c.1290G>T on transcript NM_000287.4 (MANE Select); coding-DNA position 1290, G replaced by T.
Protein change: p.Trp430Cys; replaces tryptophan 430 with cysteine.
Molecular consequence: missense variant. On other transcripts: non-coding transcript variant (1).
Genome position (GRCh38, 1-based): chr6:42,969,745, C>A on the plus strand (G>T on the coding strand, the complement: PEX6 is on the minus strand). VCF-style: chr6-42969745-C-A. GRCh37 (hg19) VCF-style: chr6-42937483-C-A.
Other names: c.1026G>T, p.Trp342Cys (NM_001316313.2); c.1290G>T (NM_000287.3); short protein forms W430C, W342C.
Identifiers: ClinVar variation 1433565 (VCV001433565.5), dbSNP rs1457151665, ClinGen allele CA364155772.

ClinVar aggregate classification (germline): Uncertain significance. Review status: criteria provided, multiple submitters, no conflicts (2 of 4 stars). 3 submissions from 3 submitters: Uncertain significance (3). Last evaluated 2023-02-20.

Conditions:
PEX6-related disorder. Also called: PEX6-related condition; PEX6-related disorders.
Peroxisome biogenesis disorder. Identifiers: Orphanet 79189, MedGen C1832200, MONDO:0019234. Disease mechanism: loss of function.
Inborn genetic diseases. Identifiers: MedGen C0950123, MeSH D030342.

Allele frequency attached by ClinVar (database versions not stated): gnomAD exomes below 0.00001; TOPMed below 0.00001; gnomAD 0.00001.
gnomAD v4.1: 3 of 1,613,704 alleles (0.00019%); highest among the groups gnomAD compares: Non-Finnish European, 0.00025%; no homozygotes.

Submissions (3):

PreventionGenetics, part of Exact Sciences
Classification: Uncertain significance for PEX6-related condition. Last evaluated: 2023-02-20. Review status: criteria provided, single submitter. Criteria: ACMG Guidelines, 2015. Collection method: clinical testing. Allele origin: germline.
Comment: The PEX6 c.1290G>T variant is predicted to result in the amino acid substitution p.Trp430Cys. To our knowledge, this variant has not been reported in the literature or in a large population database, indicating this variant is rare. At this time, the clinical significance of this variant is uncertain due to the absence of conclusive functional and genetic evidence.

Ambry Genetics
Classification: Uncertain significance for Inborn genetic diseases. Last evaluated: 2022-11-08. Review status: criteria provided, single submitter. Criteria: Ambry Variant Classification Scheme 2023. Collection method: clinical testing. Allele origin: germline.

Labcorp Genetics (formerly Invitae), Labcorp
Classification: Uncertain significance for Peroxisome biogenesis disorder. Last evaluated: 2021-11-16. Review status: criteria provided, single submitter. Criteria: Invitae Variant Classification Sherloc (09022015). Collection method: clinical testing. Allele origin: germline.
Comment: This sequence change replaces tryptophan, which is neutral and slightly polar, with cysteine, which is neutral and slightly polar, at codon 430 of the PEX6 protein (p.Trp430Cys). This variant is not present in population databases (gnomAD no frequency). This variant has not been reported in the literature in individuals affected with PEX6-related conditions. Algorithms developed to predict the effect of missense changes on protein structure and function are either unavailable or do not agree on the potential impact of this missense change (SIFT: "Tolerated"; PolyPhen-2: "Probably Damaging"; Align-GVGD: "Class C0"). In summary, the available evidence is currently insufficient to determine the role of this variant in disease. Therefore, it has been classified as a Variant of Uncertain Significance.